The following is an entry in ClinVar:

NM_001127198.5(TMC6):c.1247A>G (p.Gln416Arg)

Gene: TMC6 (transmembrane channel like 6; minus strand). Cytogenetic location: 17q25.3.
Variant type: single nucleotide variant.
Coding change: c.1247A>G on transcript NM_001127198.5 (MANE Select); coding-DNA position 1247, A replaced by G.
Protein change: p.Gln416Arg; replaces glutamine 416 with arginine.
Molecular consequence: missense variant. On other transcripts: non-coding transcript variant (4).
Genome position (GRCh38, 1-based): chr17:78,121,692, T>C on the plus strand (A>G on the coding strand, the complement: TMC6 is on the minus strand). VCF-style: chr17-78121692-T-C. GRCh37 (hg19) VCF-style: chr17-76117773-T-C.
Other names: c.1247A>G, p.Gln416Arg (NM_001321185.1, NM_001374593.1, NM_001374594.1 and 4 more transcripts); c.1247A>G (NM_007267.6); short protein forms Q416R.
Identifiers: ClinVar variation 1391389 (VCV001391389.5), dbSNP rs2074422566, ClinGen allele CA401230180.
Genomic context (GRCh38, chr17:78,121,692, plus strand): 5'-AGCCCCAGCACAGCCGCCTGCCGCAGCCTCCCGCACACGCTCCTGGGGCTGTGCCGCAGC[T>C]GCCACTCGGCCAGCAGCTCCTGCAGGCGGCACCGTGTCCCCGTCACCCACACCAGAGCAC-3'
Protein context (NP_001120670.1, residues 406-426): TRLKELLAEW[Gln416Arg]LRHSPRSVCG

ClinVar aggregate classification (germline): Uncertain significance. Review status: criteria provided, multiple submitters, no conflicts (2 of 4 stars). 2 submissions from 2 submitters: Uncertain significance (2). Last evaluated 2024-11-20.

Conditions:
Inborn genetic diseases. Identifiers: MedGen C0950123, MeSH D030342.
Epidermodysplasia verruciformis. Identifiers: Orphanet 302, MedGen C0014522, MONDO:0009176.

Allele frequency attached by ClinVar (database versions not stated): gnomAD exomes below 0.00001; TOPMed below 0.00001.

Submissions (2):

Ambry Genetics
Classification: Uncertain significance for Inborn genetic diseases. Last evaluated: 2024-11-20. Review status: criteria provided, single submitter. Criteria: Ambry Variant Classification Scheme 2023. Collection method: clinical testing. Allele origin: germline.

Labcorp Genetics (formerly Invitae), Labcorp
Classification: Uncertain significance for Epidermodysplasia verruciformis. Last evaluated: 2021-10-11. Review status: criteria provided, single submitter. Criteria: Invitae Variant Classification Sherloc (09022015). Collection method: clinical testing. Allele origin: germline.
Comment: This sequence change replaces glutamine with arginine at codon 416 of the TMC6 protein (p.Gln416Arg). The glutamine residue is weakly conserved and there is a small physicochemical difference between glutamine and arginine. This variant is not present in population databases (ExAC no frequency). This variant has not been reported in the literature in individuals affected with TMC6-related conditions. Algorithms developed to predict the effect of missense changes on protein structure and function output the following: SIFT: "Not Available"; PolyPhen-2: "Benign"; Align-GVGD: "Not Available". The arginine amino acid residue is found in multiple mammalian species, which suggests that this missense change does not adversely affect protein function. In summary, the available evidence is currently insufficient to determine the role of this variant in disease. Therefore, it has been classified as a Variant of Uncertain Significance.